The following is an entry in ClinVar:

NM_004310.5(RHOH):c.89C>T (p.Pro30Leu)

Gene: RHOH (ras homolog family member H; plus strand). Cytogenetic location: 4p14.
Variant type: single nucleotide variant.
Coding change: c.89C>T on transcript NM_004310.5 (MANE Select); coding-DNA position 89, C replaced by T.
Protein change: p.Pro30Leu; replaces proline 30 with leucine.
Molecular consequence: missense variant.
Genome position (GRCh38, 1-based): chr4:40,243,475, C>T. VCF-style: chr4-40243475-C-T. GRCh37 (hg19) VCF-style: chr4-40245095-C-T.
Other names: c.89C>T, p.Pro30Leu (NM_001278359.2, NM_001278360.2, NM_001278361.2 and 8 more transcripts); short protein forms P30L.
Identifiers: ClinVar variation 1401164 (VCV001401164.8), dbSNP rs777698365, ClinGen allele CA2897720.

ClinVar aggregate classification (germline): Uncertain significance (1 of 4 stars; one submission).

Conditions:
T-cell immunodeficiency with epidermodysplasia verruciformis. Identifiers: Orphanet 324294, MedGen C4749500, MONDO:0017925.

Allele frequency attached by ClinVar (database versions not stated): gnomAD 0.00001; gnomAD exomes 0.00001; ExAC 0.00002; TOPMed 0.00002.
gnomAD v4.1: 31 of 1,613,852 alleles (0.0019%); highest among the groups gnomAD compares: Non-Finnish European, 0.0024%; no homozygotes.

Submission:

Labcorp Genetics (formerly Invitae), Labcorp
Classification: Uncertain significance for T-cell immunodeficiency with epidermodysplasia verruciformis. Last evaluated: 2025-09-02. Review status: criteria provided, single submitter. Criteria: Invitae Variant Classification Sherloc (09022015). Collection method: clinical testing. Allele origin: germline.
Comment: This sequence change replaces proline, which is neutral and non-polar, with leucine, which is neutral and non-polar, at codon 30 of the RHOH protein (p.Pro30Leu). This variant is present in population databases (rs777698365, gnomAD 0.007%). This variant has not been reported in the literature in individuals affected with RHOH-related conditions. ClinVar contains an entry for this variant (Variation ID: 1401164). An algorithm developed to predict the effect of missense changes on protein structure and function (PolyPhen-2) suggests that this variant is likely to be disruptive. In summary, the available evidence is currently insufficient to determine the role of this variant in disease. Therefore, it has been classified as a Variant of Uncertain Significance.